The following is an entry in ClinVar:

NM_002303.6(LEPR):c.41-8C>A

Gene: LEPR (leptin receptor; plus strand). Cytogenetic location: 1p31.3.
Variant type: single nucleotide variant.
Coding change: c.41-8C>A on transcript NM_002303.6 (MANE Select); 8 bases into the intron before coding-DNA position 41, C replaced by A.
Molecular consequence: intron variant.
Genome position (GRCh38, 1-based): chr1:65,570,465, C>A. VCF-style: chr1-65570465-C-A. GRCh37 (hg19) VCF-style: chr1-66036148-C-A.
Other names: c.41-8C>A (NM_001003679.3, NM_001003680.3, NM_001198689.2 and 2 more transcripts).
Identifiers: ClinVar variation 4998652 (VCV004998652.1).

ClinVar aggregate classification (germline): Uncertain significance (1 of 4 stars; one submission).

Conditions:
LEPR-related disorder. Also called: LEPR-related disorders; LEPR-related condition.

gnomAD v4.1: 2 of 1,611,710 alleles (0.00012%); highest among the groups gnomAD compares: Middle Eastern, 0.017%; no homozygotes.

Submission:

PreventionGenetics, part of Exact Sciences
Classification: Uncertain significance for LEPR-related condition. Last evaluated: 2025-01-31. Review status: criteria provided, single submitter. Criteria: ACMG Guidelines, 2015. Collection method: clinical testing. Allele origin: germline.
Comment: The LEPR c.41-8C>A variant is predicted to interfere with splicing. This variant is predicted to impact splicing based on splicing prediction programs (SpliceAI, Jaganathan K, et al. 2019. PubMed ID: 30661751). To our knowledge, this variant has not been reported in the literature. This variant is reported in 0.00089% of alleles in individuals of European (Non-Finnish) descent in gnomAD. At this time, the clinical significance of this variant is uncertain due to the absence of conclusive functional and genetic evidence.